The following is an entry in ClinVar:

NM_000043.6(FAS):c.*1203G>A

Gene: FAS (Fas cell surface death receptor; plus strand). Cytogenetic location: 10q23.31.
Variant type: single nucleotide variant.
Coding change: c.*1203G>A on transcript NM_000043.6 (MANE Select); 1203 bases downstream of the stop codon, G replaced by A.
Molecular consequence: 3 prime UTR variant. On other transcripts: non-coding transcript variant (7).
Genome position (GRCh38, 1-based): chr10:89,015,653, G>A. VCF-style: chr10-89015653-G-A. GRCh37 (hg19) VCF-style: chr10-90775410-G-A.
Other names: c.*1534G>A (NM_001320619.2); c.*1203G>A (NM_152871.4); c.*1523G>A (NM_152872.4).
Identifiers: ClinVar variation 879917 (VCV000879917.4), dbSNP rs190060976, ClinGen allele CA5593296.

ClinVar aggregate classification (germline): Benign (1 of 4 stars; one submission).

Conditions:
Autoimmune lymphoproliferative syndrome type 1. Also called: AUTOIMMUNE LYMPHOPROLIFERATIVE SYNDROME, TYPE I, AUTOSOMAL DOMINANT. Identifiers: Orphanet 3261, MedGen C2717884, MONDO:0011158, OMIM 601859.

Allele frequency attached by ClinVar (database versions not stated): TOPMed 0.00048; gnomAD 0.00061 and 0.00062; gnomAD exomes 0.00084 and 0.00057; ExAC 0.00144; 1000 Genomes Project 0.00040; 1000 Genomes Project 30x 0.00047.
gnomAD v4.1: 376 of 497,370 alleles (0.076%); highest among the groups gnomAD compares: Non-Finnish European, 0.11%; 1 homozygote.

Submission:

Illumina Laboratory Services, Illumina
Classification: Benign for Autoimmune lymphoproliferative syndrome type 1. Last evaluated: 2018-01-13. Review status: criteria provided, single submitter. Criteria: ICSL Variant Classification Criteria 13 December 2019. Collection method: clinical testing. Allele origin: germline.
Comment: This variant was observed in the ICSL laboratory as part of a predisposition screen in an ostensibly healthy population. It had not been previously curated by ICSL or reported in the Human Gene Mutation Database (HGMD: prior to June 1st, 2018), and was therefore a candidate for classification through an automated scoring system. Utilizing variant allele frequency, disease prevalence and penetrance estimates, and inheritance mode, an automated score was calculated to assess if this variant is too frequent to cause the disease. Based on the score and internal cut-off values, a variant classified as benign is not then subjected to further curation. The score for this variant resulted in a classification of benign for this disease.